The following is an entry in ClinVar:

NM_001077653.2(TBX20):c.304T>C (p.Cys102Arg)

Gene: TBX20 (T-box transcription factor 20; minus strand). Cytogenetic location: 7p14.2.
Variant type: single nucleotide variant.
Coding change: c.304T>C on transcript NM_001077653.2 (MANE Select); coding-DNA position 304, T replaced by C.
Protein change: p.Cys102Arg; replaces cysteine 102 with arginine.
Molecular consequence: missense variant.
Genome position (GRCh38, 1-based): chr7:35,250,027, A>G on the plus strand (T>C on the coding strand, the complement: TBX20 is on the minus strand). VCF-style: chr7-35250027-A-G. GRCh37 (hg19) VCF-style: chr7-35289639-A-G.
Other names: c.304T>C, p.Cys102Arg (NM_001166220.1); short protein forms C102R.
Identifiers: ClinVar variation 1326492 (VCV001326492.2), dbSNP rs2128716135, ClinGen allele CA367265054.

ClinVar aggregate classification (germline): Uncertain significance (1 of 4 stars; one submission).

Submission:

GeneDx
Classification: Uncertain significance. Last evaluated: 2021-05-26. Review status: criteria provided, single submitter. Criteria: GeneDx Variant Classification Process June 2021. Collection method: clinical testing. Allele origin: germline. Affected: yes.
Comment: Not observed at significant frequency in large population cohorts (Lek et al., 2016); In silico analysis supports that this missense variant has a deleterious effect on protein structure/function; Has not been previously published as pathogenic or benign to our knowledge